The following is an entry in ClinVar:

NM_001044370.2(MPPED1):c.701T>G (p.Leu234Arg)

Gene: MPPED1 (metallophosphoesterase domain containing 1; plus strand). Cytogenetic location: 22q13.2.
Variant type: single nucleotide variant.
Coding change: c.701T>G on transcript NM_001044370.2 (MANE Select); coding-DNA position 701, T replaced by G.
Protein change: p.Leu234Arg; replaces leucine 234 with arginine.
Molecular consequence: missense variant.
Genome position (GRCh38, 1-based): chr22:43,498,303, T>G. VCF-style: chr22-43498303-T-G. GRCh37 (hg19) VCF-style: chr22-43894183-T-G.
Other names: c.701T>G, p.Leu234Arg (NM_001362786.2); short protein forms L234R.
Identifiers: ClinVar variation 3912768 (VCV003912768.1).
Genomic context (GRCh38, chr22:43,498,303, plus strand): 5'-GGTTCTACGGCTGGGGCTTCAACCTCCCGCGAGGCCAAGCCCTGCTGGAGAAATGGAACC[T>G]CATTCCCGAAGGCGTAGACATCCTGATAACCCATGGACCACCACTGGGTAAGGCTCTGCT-3'
Protein context (NP_001037835.1, residues 224-244): RGQALLEKWN[Leu234Arg]IPEGVDILIT

ClinVar aggregate classification (germline): Uncertain significance (1 of 4 stars; one submission).

Submission:

Ambry Genetics
Classification: Uncertain significance. Last evaluated: 2025-04-04. Review status: criteria provided, single submitter. Criteria: Ambry Variant Classification Scheme 2023. Collection method: clinical testing. Allele origin: germline.
Comment: The c.701T>G (p.L234R) alteration is located in exon (coding exon ) of the MPPED1 gene. This alteration results from a T to G substitution at nucleotide position 701, causing the leucine (L) at amino acid position 234 to be replaced by an arginine (R). Based on insufficient or conflicting evidence, the clinical significance of this alteration remains unclear.